The following is an entry in ClinVar:

ClinVar aggregate classification (germline): Uncertain significance. Review status: criteria provided, multiple submitters, no conflicts (2 of 4 stars). 2 submissions from 2 submitters: Uncertain significance (2). Last evaluated 2026-06-16.

Conditions:
ADCY3-related disorder. Also called: ADCY3-related condition.

gnomAD v4.1: 351 of 1,586,468 alleles (0.022%); highest among the groups gnomAD compares: East Asian, 0.68%; 3 homozygotes.

Submissions (2):

PreventionGenetics, part of Exact Sciences
Classification: Uncertain significance for ADCY3-related condition. Last evaluated: 2026-06-16. Review status: criteria provided, single submitter. Criteria: ACMG Guidelines, 2015. Collection method: clinical testing. Allele origin: germline.
Comment: The ADCY3 c.3298C>T variant is predicted to result in the amino acid substitution p.Arg1100Cys. To our knowledge, this variant has not been reported in the literature. This variant is reported in 0.037% of alleles in individuals of East Asian descent in gnomAD. At this time, the clinical significance of this variant is uncertain due to the absence of conclusive functional and genetic evidence.

Labcorp Genetics (formerly Invitae), Labcorp
Classification: Uncertain significance. Last evaluated: 2025-08-13. Review status: criteria provided, single submitter. Criteria: Invitae Variant Classification Sherloc (09022015). Collection method: clinical testing. Allele origin: germline.
Comment: This sequence change replaces arginine, which is basic and polar, with cysteine, which is neutral and slightly polar, at codon 1099 of the ADCY3 protein (p.Arg1099Cys). This variant is present in population databases (rs143344645, gnomAD 0.03%). This variant has not been reported in the literature in individuals affected with ADCY3-related conditions. Invitae Evidence Modeling of protein sequence and biophysical properties (such as structural, functional, and spatial information, amino acid conservation, physicochemical variation, residue mobility, and thermodynamic stability) indicates that this missense variant is not expected to disrupt ADCY3 protein function with a negative predictive value of 80%. In summary, the available evidence is currently insufficient to determine the role of this variant in disease. Therefore, it has been classified as a Variant of Uncertain Significance.

NM_004036.5(ADCY3):c.3295C>T (p.Arg1099Cys)

Genes: ADCY3 (adenylate cyclase 3; minus strand), CENPO (centromere protein O; plus strand). Cytogenetic location: 2p23.3.
Variant type: single nucleotide variant.
Coding change: c.3295C>T on transcript NM_004036.5 (MANE Select); coding-DNA position 3295, C replaced by T.
Protein change: p.Arg1099Cys; replaces arginine 1099 with cysteine.
Molecular consequence: missense variant. On other transcripts: 3 prime UTR variant (4), non-coding transcript variant (3).
Genome position (GRCh38, 1-based): chr2:24,820,072, G>A on the plus strand (C>T on the coding strand, the complement: ADCY3 is on the minus strand). VCF-style: chr2-24820072-G-A. GRCh37 (hg19) VCF-style: chr2-25042941-G-A.
Other names: c.3298C>T, p.Arg1100Cys (NM_001320613.2); c.3361C>T, p.Arg1121Cys (NM_001377128.1); c.3157C>T, p.Arg1053Cys (NM_001377129.1); c.*36C>T (NM_001377130.1); c.2572C>T, p.Arg858Cys (NM_001377131.1); c.3295C>T, p.Arg1099Cys (NM_001377132.1); c.*754G>A (NM_001199803.3, NM_001322101.2, NM_024322.4); c.3298C>T (NM_001320613.1); short protein forms R1053C, R1121C, R1099C, R858C, R1100C.
Identifiers: ClinVar variation 4717162 (VCV004717162.2).